The following continues an entry in ClinVar:

NM_007194.4(CHEK2):c.1427C>T (p.Thr476Met)

Gene: CHEK2. ClinVar aggregate classification (germline): Conflicting classifications of pathogenicity. Pathogenic (1); Likely pathogenic (18); Established risk allele (2); Likely risk allele (1); Uncertain significance (26).

Submissions 7 to 20 of 62:

Center for Genomic Medicine, Rigshospitalet, Copenhagen University Hospital
Classification: Uncertain significance. Last evaluated: 2025-12-29. Review status: criteria provided, single submitter. Criteria: ACMG Guidelines, 2015. Collection method: clinical testing. Allele origin: germline.

Ambry Genetics
Classification: Established risk allele for Hereditary cancer-predisposing syndrome. Last evaluated: 2025-11-06. Review status: criteria provided, single submitter. Criteria: Ambry Variant Classification Scheme 2023. Collection method: clinical testing. Allele origin: germline.
Comment: The p.T476M variant (also known as c.1427C>T), located in coding exon 12 of the CHEK2 gene, results from a C to T substitution at nucleotide position 1427. The threonine at codon 476 is replaced by methionine, an amino acid with similar properties. Recent case-control studies have reported association with breast cancer risk with odds ratios ranging from 1.35 to 1.63 (Dorling et al. N Engl J Med. 2021 02;384:428-439; Bychkovsky BL et al. JAMA Oncol. 2022 Sep). Functional studies of this alteration have reported conflicting findings. In one in vivo, yeast-based growth rate assay, this variant was indicated to be semi-functional (Delimitsou A. Hum Mutat. 2019 05;40(5):631-648). However, several other studies have reported the variant as deleterious based on kinase and DNA damage response activity (Desrichard A et al. Breast Cancer Res. 2011 Nov;13:R119; Roeb W et al. Hum. Mol. Genet. 2012 Jun;21:2738-44). Another study reported this alteration as deleterious in an in vitro assay of kinase activity using bacterially expressed CHEK2, but neutral in an assay conducted in a human cell line (Kleiblova P et al Int J Cancer. 2019 10;145(7):1782-1797). This amino acid position is well conserved in available vertebrate species. In addition, the in silico prediction for this alteration is inconclusive. Based on the majority of available evidence to date, this variant is interpreted as a moderate risk mutation, also referred to as an established risk allele.

Color Diagnostics, LLC DBA Color Health
Classification: Uncertain significance for Hereditary cancer-predisposing syndrome. Last evaluated: 2025-08-27. Review status: criteria provided, single submitter. Criteria: ACMG Guidelines, 2015. Collection method: clinical testing. Allele origin: germline.
Comment: This missense variant replaces threonine with methionine at codon 476 of the CHEK2 protein. Computational prediction suggests that this variant may not impact protein structure and function. Functional studies have demonstrated inconsistent results. The mutant protein has shown significantly reduced kinase activity in vitro using bacteria produced protein (PMID: 22114986, 31050813), but displayed normal kinase activity in a human cell assay (PMID: 31050813, 37449874). DNA damage repair assays in yeast have shown the mutant protein to exhibit partial to complete loss of function (PMID: 22419737, 30851065). This variant has been reported in individuals affected with breast cancer (PMID: 15095295, 21244692, 22114986, 22862163, 24595525, 25186627, 26681312, 28008555, 28495237 30426508, 32658311, 32805687, 32906215, 33030641, 36315097, 37628581), prostate cancer (PMID: 29368341, 29520813), colorectal cancer (PMID: 28008555, 28135145, 28944238, 32658311), pancreatic cancer (PMID: 26483394, 26845104 29945567), and endometrial cancer (PMID: 27443514), as well as in individuals unaffected with cancer (PMID: 32658311). A history weighting algorithm score was inconsistent with that expected for CHEK2 pathogenic mutations (Mundt, et al. poster #154, ACMG 2017). This variant has been identified in 83/265178 chromosomes in the general population by the Genome Aggregation Database (gnomAD). This variant has been reported in two large case-control meta analysesthis variant has been identified in 83/60383 cases and 45/53416 controls (OR=1.632, 95%CI [1.135 to 2.346]) (PMID: 33471991) and 101/73048 BC cases and 60/88658 controls (OR=2.043, 95%Ci [1.4841 to 2.8125]) (PMID: 37449874). In summary, functional studies have been inconclusive regarding the impact of this variant on protein function, and this variant has been observed in individuals affected with breast cancer as well as in the general population. The available evidence is insufficient to determine the role of this variant in disease conclusively. Therefore, this variant is classified as a Variant of Uncertain Significance.

GeneDx
Classification: Likely pathogenic. Last evaluated: 2025-07-24. Review status: criteria provided, single submitter. Criteria: GeneDx Variant Classification Process June 2021. Collection method: clinical testing. Allele origin: germline. Affected: yes.
Comment: Case control studies suggest this variant is associated with breast cancer, although odds ratios are only modestly elevated (around 1.5 or less) (PMID: 33471991, 36136322, 37449874); In silico analysis supports that this missense variant has a deleterious effect on protein structure/function; This variant is associated with the following publications: (PMID: 26681312, 29368341, 21244692, 29945567, 28944238, 25186627, 26845104, 22862163, 23552953, 28008555, no PMID, 10617473, 32782288, 34028844, 32805687, 32522261, 34637943, 35220195, 32923877, 29922827, 35174967, 28888541, 26787654, 26483394, 27751358, 21901162, 28495237, 27621404, 26022348, 27443514, 15095295, 29478780, 29520813, 30128536, 31050813, 30613976, 30851065, 30426508, 24595525, 30322717, 31159747, 31784482, 30303537, 31447099, 32832836, 31263571, 31948886, 34426522, 32885271, 33193653, 32830346, 32906215, 36139606, 35441217, 35245693, 35418818, 35264596, 33471991, 22114986, 36136322, 22419737, 37449874, 19782031, 36368126, 36243179, 37628581, 38075165, 34326862, 36495689, 33850299, 37057674, 37688579, 38985133, 39001389, 39150540, 39546165, 38308423, 39594831, 38959470, 39669588, 38496821, 38651569, 37842866)

Laboratorio de I+D, Fundación Centro Médico de Asturias
Classification: Uncertain significance for Familial cancer of breast. Last evaluated: 2025-07-09. Review status: criteria provided, single submitter. Criteria: ACMG Guidelines, 2015. Collection method: clinical testing. Allele origin: germline. Affected: yes.
Comment: PM1+PS3_Supporting+PM2_Supporting+BP4

Institute for Genomic Medicine (IGM) Clinical Laboratory, Nationwide Children's Hospital
Classification: Uncertain significance for CHEK2-related cancer predisposition. Last evaluated: 2025-05-20. Review status: criteria provided, single submitter. Criteria: ACMG Guidelines, 2015. Collection method: clinical testing. Allele origin: germline.
Comment: Well-established functional studies have demonstrated this variant to have a damaging effect on protein function or splicing (ACMG/AMP: PS3; PMIDs:22114986, 22419737, 30851065).

Mayo Clinic Laboratories, Mayo Clinic
Classification: Likely pathogenic. Last evaluated: 2025-05-16. Review status: criteria provided, single submitter. Criteria: ACMG Guidelines, 2015. Collection method: clinical testing. Allele origin: germline. Observed: 2 variant alleles.
Comment: PM1, PS4

Quest Diagnostics Nichols Institute San Juan Capistrano
Classification: Uncertain significance. Last evaluated: 2025-05-15. Review status: criteria provided, single submitter. Criteria: Quest Diagnostics criteria. Collection method: clinical testing. Allele origin: unknown.
Comment: The CHEK2 c.1427C>T (p.Thr476Met) variant has been reported in the published literature in individuals with breast and/or ovarian cancer (PMIDs: 30287823 (2018), 30322717 (2018), 30426508 (2018), 30303537 (2019), 30613976 (2019), 31050813 (2019), 32906215 (2020), 32881420 (2020), 33030641 (2020), 32658311 (2021), 35451682 (2022), 38075165 (2023), 39541563 (2024), 33471991 (2021), see also LOVD), endometrial cancer (PMID: 27443514 (2016)), pancreatic cancer (PMIDs: 26845104 (2016), 29922827 (2018), 29945567 (2018)), thyroid cancer (PMID: 35174967 (2022)), colorectal cancer (PMIDs: 28135145 (2017), 28944238 (2017), 31263571 (2019), 33193653 (2020), 32658311 (2021), 34271781 (2021)), prostate cancer (PMIDs: 29368341 (2018), 29520813 (2018), 31948886 (2020), 37932350 (2023), 37842866 (2024)), and renal cancer (PMID: 32830346 (2021)). This variant has also been observed in reportedly unaffected individuals (PMIDs: 30303537 (2019), 31050813 (2019), 32658311 (2021), 33471991 (2021)). Functional studies indicate this variant has conflicting effects on protein function (PMID: 22419737 (2012), 22114986 (2011), 30851065 (2019), 31050813 (2019), 37449874 (2023)). The frequency of this variant in the general population (Genome Aggregation Database) is uninformative in the assessment of its pathogenicity. Analysis of this variant using bioinformatics tools for the prediction of the effect of amino acid changes on protein structure and function yielded predictions that this variant is damaging. Based on the available information, we are unable to determine the clinical significance of this variant.

Unidad de Genética Molecular HGU Elche, Hospital General Universitario de Elche
Classification: Uncertain significance for Hereditary cancer-predisposing syndrome. Last evaluated: 2025-05-05. Review status: criteria provided, single submitter. Criteria: ACMG Guidelines, 2015. Collection method: clinical testing. Allele origin: germline. Affected: yes.
Comment: PS3 moderate; PP5 supporting; PM5 moderate; PM2 supporting; BP4 supporting

Molecular Pathology, Peter Maccallum Cancer Centre
Classification: Uncertain significance for Familial cancer of breast. Last evaluated: 2025-03-25. Review status: criteria provided, single submitter. Criteria: ACMG Guidelines, 2015. Collection method: clinical testing. Allele origin: germline. Inheritance: Autosomal dominant inheritance.

Department of Clinical Genetics, Copenhagen University Hospital, Rigshospitalet
Classification: Likely risk allele for Hereditary cancer-predisposing syndrome. Last evaluated: 2025-02-19. Review status: criteria provided, single submitter. Criteria: Schmidt et al. (Genet Med. 2024). Collection method: clinical testing. Allele origin: germline.

Blueprint Genetics
Classification: Uncertain significance. Last evaluated: 2024-10-18. Review status: criteria provided, single submitter. Criteria: ACMG Guidelines, 2015. Collection method: clinical testing. Allele origin: germline.

Cambridge Genomics Laboratory, East Genomic Laboratory Hub, NHS Genomic Medicine Service
Classification: Uncertain significance for Inherited breast cancer and ovarian cancer. Last evaluated: 2024-08-06. Review status: criteria provided, single submitter. Criteria: ACGS Best Practice Guidelines for Variant Classification in Rare Disease 2020. Collection method: clinical testing. Allele origin: germline. Affected: yes.

Fulgent Genetics
Classification: Uncertain significance for Familial prostate cancer; Bone osteosarcoma; CHEK2-related cancer predisposition. Last evaluated: 2024-06-11. Review status: criteria provided, single submitter. Criteria: ACMG Guidelines, 2015. Collection method: clinical testing. Allele origin: germline.